The following is an entry in ClinVar:

NM_004415.4(DSP):c.5304G>A (p.Gly1768=)

Gene: DSP (desmoplakin; plus strand). Cytogenetic location: 6p24.3.
Variant type: single nucleotide variant.
Coding change: c.5304G>A on transcript NM_004415.4 (MANE Select); coding-DNA position 5304, G replaced by A.
Protein change: p.Gly1768=; no amino-acid change (glycine 1768 retained).
Molecular consequence: synonymous variant. On other transcripts: intron variant (2).
Genome position (GRCh38, 1-based): chr6:7,581,494, G>A. VCF-style: chr6-7581494-G-A. GRCh37 (hg19) VCF-style: chr6-7581727-G-A.
Other names: c.5304G>A (NM_004415.3); c.4051-1148G>A (NM_001319034.2); c.3583-1148G>A (NM_001008844.3).
Identifiers: ClinVar variation 2567537 (VCV002567537.6), dbSNP rs530612211, ClinGen allele CA044583.
Genomic context (GRCh38, chr6:7,581,494, plus strand): 5'-CATCTTGGAACTAAGGAGCCAGCTGCAGATCAGCAACAACCGGACCCTGGAACTGCAGGG[G>A]CTGATTAATGATTTACAGAGAGAGAGGGAAAATTTGAGACAGGAAATTGAGAAATTCCAA-3'
Protein context (NP_004406.2, residues 1758-1778): ISNNRTLELQ[Gly1768=]LINDLQRERE

ClinVar aggregate classification (germline): Likely benign. Review status: criteria provided, multiple submitters, no conflicts (2 of 4 stars). 3 submissions from 3 submitters: Likely benign (3). Last evaluated 2026-01-15.

Conditions:
DSP-related disorder. Also called: DSP-related condition; DSP-related disorders.
Cardiovascular phenotype. Identifiers: MedGen CN230736.
Arrhythmogenic cardiomyopathy with wooly hair and keratoderma. Also called: PALMOPLANTAR KERATODERMA WITH LEFT VENTRICULAR CARDIOMYOPATHY AND WOOLLY HAIR; Carvajal syndrome; Arrhythmogenic cardiomyopathy with woolly hair and keratoderma; Dilated cardiomyopathy with woolly hair and keratoderma. Identifiers: Orphanet 65282, MedGen C1854063, MONDO:0011581, OMIM 605676.
Arrhythmogenic right ventricular dysplasia 8 (ARVD8). Also called: Arrhythmogenic Right Ventricular Dysplasia/Cardiomyopathy 8; ARRHYTHMOGENIC RIGHT VENTRICULAR DYSPLASIA, FAMILIAL, 8; ARRHYTHMOGENIC RIGHT VENTRICULAR CARDIOMYOPATHY 8. Identifiers: MedGen C1843896, MONDO:0011831, OMIM 607450.

gnomAD v4.1: 3 of 1,613,854 alleles (0.00019%); highest among the groups gnomAD compares: African/African-American, 0.004%; no homozygotes.

Submissions (3):

PreventionGenetics, part of Exact Sciences
Classification: Likely benign for DSP-related condition. Last evaluated: 2026-01-15. Review status: criteria provided, single submitter. Criteria: ACMG Guidelines, 2015. Collection method: clinical testing. Allele origin: germline.
Comment: This variant is classified as likely benign based on ACMG/AMP sequence variant interpretation guidelines (Richards et al. 2015 PMID: 25741868, with internal and published modifications).

Labcorp Genetics (formerly Invitae), Labcorp
Classification: Likely benign for Arrhythmogenic cardiomyopathy with wooly hair and keratoderma; Arrhythmogenic right ventricular dysplasia 8. Last evaluated: 2025-07-09. Review status: criteria provided, single submitter. Criteria: Invitae Variant Classification Sherloc (09022015). Collection method: clinical testing. Allele origin: germline.

Ambry Genetics
Classification: Likely benign for Cardiovascular phenotype. Last evaluated: 2023-05-28. Review status: criteria provided, single submitter. Criteria: Ambry Variant Classification Scheme 2023. Collection method: clinical testing. Allele origin: germline.